The following is an entry in ClinVar:

NM_000868.4(HTR2C):c.1321T>C (p.Leu441=)

Genes: HTR2C (5-hydroxytryptamine receptor 2C; plus strand), LOC126863306 (MED14-independent group 3 enhancer GRCh37_chrX:114140926-114142125; plus strand). Cytogenetic location: Xq23.
Variant type: single nucleotide variant.
Coding change: c.1321T>C on transcript NM_000868.4 (MANE Select); coding-DNA position 1321, T replaced by C.
Protein change: p.Leu441=; no amino-acid change (leucine 441 retained).
Molecular consequence: synonymous variant. On other transcripts: 3 prime UTR variant (1).
Genome position (GRCh38, 1-based): chrX:114,907,359, T>C. VCF-style: chrX-114907359-T-C. GRCh37 (hg19) VCF-style: chrX-114141922-T-C.
Other names: c.1321T>C, p.Leu441= (NM_001256760.3); c.*479T>C (NM_001256761.3).
Identifiers: ClinVar variation 3356798 (VCV003356798.1).

ClinVar aggregate classification (germline): Likely benign (0 of 4 stars; one submission).

Conditions:
HTR2C-related disorder. Also called: HTR2C-related condition.

Submission:

PreventionGenetics, part of Exact Sciences
Classification: Likely benign for HTR2C-related condition. Last evaluated: 2023-01-26. Review status: no assertion criteria provided. Collection method: clinical testing. Allele origin: germline.
Comment: This variant is classified as likely benign based on ACMG/AMP sequence variant interpretation guidelines (Richards et al. 2015 PMID: 25741868, with internal and published modifications).